The following is an entry in ClinVar:

NM_015662.3(IFT172):c.482+1G>A

Gene: IFT172 (intraflagellar transport 172; minus strand). Cytogenetic location: 2p23.3.
Variant type: single nucleotide variant.
Coding change: c.482+1G>A on transcript NM_015662.3 (MANE Select); the canonical splice donor site of the intron after coding-DNA position 482, G replaced by A.
Molecular consequence: splice donor variant.
Genome position (GRCh38, 1-based): chr2:27,483,579, C>T on the plus strand (G>A on the coding strand, the complement: IFT172 is on the minus strand). VCF-style: chr2-27483579-C-T. GRCh37 (hg19) VCF-style: chr2-27706446-C-T.
Other names: c.482+1G>A (NM_001410739.1).
Identifiers: ClinVar variation 2028088 (VCV002028088.4), dbSNP rs2466025777, ClinGen allele CA346400475.

ClinVar aggregate classification (germline): Likely pathogenic (1 of 4 stars; one submission).

Conditions:
Retinitis pigmentosa 71 (RP71). Identifiers: Orphanet 791, MedGen C4225342, MONDO:0014618, OMIM 616394.
Short-rib thoracic dysplasia 10 with or without polydactyly (SRTD10). Identifiers: Orphanet 474, MedGen C3810175, MONDO:0014284, OMIM 615630.

Submission:

Labcorp Genetics (formerly Invitae), Labcorp
Classification: Likely pathogenic for Retinitis pigmentosa 71; Short-rib thoracic dysplasia 10 with or without polydactyly. Last evaluated: 2022-08-31. Review status: criteria provided, single submitter. Criteria: Invitae Variant Classification Sherloc (09022015). Collection method: clinical testing. Allele origin: germline.
Comment: This sequence change affects a donor splice site in intron 6 of the IFT172 gene. It is expected to disrupt RNA splicing. Variants that disrupt the donor or acceptor splice site typically lead to a loss of protein function (PMID: 16199547), and loss-of-function variants in IFT172 are known to be pathogenic (PMID: 24140113). This variant is not present in population databases (gnomAD no frequency). This variant has not been reported in the literature in individuals affected with IFT172-related conditions. Algorithms developed to predict the effect of sequence changes on RNA splicing suggest that this variant may disrupt the consensus splice site. In summary, the currently available evidence indicates that the variant is pathogenic, but additional data are needed to prove that conclusively. Therefore, this variant has been classified as Likely Pathogenic.

Literature cited by the submitters: PubMed 16199547; PubMed 24140113.